The following is an entry in ClinVar:

NM_001384732.1(CPLANE1):c.8140C>T (p.Arg2714Ter)

Gene: CPLANE1 (ciliogenesis and planar polarity effector complex subunit 1; minus strand). Cytogenetic location: 5p13.2.
Variant type: single nucleotide variant.
Coding change: c.8140C>T on transcript NM_001384732.1 (MANE Select); coding-DNA position 8140, C replaced by T.
Protein change: p.Arg2714Ter; replaces arginine 2714 with a stop codon.
Molecular consequence: nonsense.
Genome position (GRCh38, 1-based): chr5:37,153,973, G>A on the plus strand (C>T on the coding strand, the complement: CPLANE1 is on the minus strand). VCF-style: chr5-37153973-G-A. GRCh37 (hg19) VCF-style: chr5-37154075-G-A.
Other names: c.7978C>T, p.Arg2660Ter (NM_023073.4); short protein forms R2660*, R2714*.
Identifiers: ClinVar variation 217566 (VCV000217566.14), dbSNP rs147416429, ClinGen allele CA277737.

ClinVar aggregate classification (germline): Pathogenic/Likely pathogenic. Review status: criteria provided, multiple submitters, no conflicts (2 of 4 stars). 10 submissions from 10 submitters: Pathogenic (7); Likely pathogenic (1). 2 of the submissions do not count toward it. Last evaluated 2026-01-16.

Conditions:
Orofaciodigital syndrome type 6 (OFD6). Also called: OROFACIODIGITAL SYNDROME VI; OFDS VI; POLYDACTYLY, CLEFT LIP/PALATE OR LINGUAL LUMP, AND PSYCHOMOTOR RETARDATION; VARADI SYNDROME; VARADI-PAPP SYNDROME; Oral-facial-digital syndrome type 6. Identifiers: Orphanet 2754, MedGen C2745997, MONDO:0010176, OMIM 277170.
CPLANE1-related disorder. Also called: CPLANE1-related condition.
Joubert syndrome 17 (JBTS17). Identifiers: Orphanet 475, MedGen C3553264, MONDO:0013824, OMIM 614615.
C5ORF42 & CPLANE1-related disorders.

Allele frequency attached by ClinVar (database versions not stated): TOPMed 0.00001; gnomAD exomes 0.00002; ExAC 0.00003; ESP Exome Variant Server 0.00008.
gnomAD v4.1: 36 of 1,610,206 alleles (0.0022%); highest among the groups gnomAD compares: East Asian, 0.016%; no homozygotes.

Submissions (10):

Labcorp Genetics (formerly Invitae), Labcorp
Classification: Pathogenic. Last evaluated: 2026-01-16. Review status: criteria provided, single submitter. Criteria: Invitae Variant Classification Sherloc (09022015). Collection method: clinical testing. Allele origin: germline.
Comment: This sequence change creates a premature translational stop signal (p.Arg2660*) in the CPLANE1 gene. It is expected to result in an absent or disrupted protein product. Loss-of-function variants in CPLANE1 are known to be pathogenic (PMID: 24178751, 26092869). This variant is present in population databases (rs147416429, gnomAD 0.01%). This premature translational stop signal has been observed in individual(s) with Joubert syndrome (PMID: 22693042, 26092869, 33176815). This variant is also known as C5ORF42 p.R2660X. ClinVar contains an entry for this variant (Variation ID: 217566). For these reasons, this variant has been classified as Pathogenic.

Daryl Scott Lab, Baylor College of Medicine
Classification: Pathogenic for CPLANE1-related disorder. Last evaluated: 2025-08-25. Review status: criteria provided, single submitter. Criteria: ACMG Guidelines, 2015. Collection method: clinical testing. Allele origin: maternal. Affected: yes. Observed: 1 compound heterozygote.
Comment: PVS1, PS4, PM2, PM3

Dasa
Classification: Pathogenic. Last evaluated: 2025-05-08. Review status: criteria provided, single submitter. Criteria: DASA Assertion Criteria. Collection method: clinical testing. Allele origin: germline.
Comment: NM_001384732.1(CPLANE1):c.8140C>T (p.Arg2714*) introduces a premature termination codon predicted to result in loss of normal protein function. Loss-of-function is an established mechanism of disease for this gene. This variant has been observed in affected individuals with related phenotype in a genotype context consistent with recessive disease (PMID: 22693042; PMID: 26092869; PMID: 33176815). This variant has been recurrently observed in individuals with related phenotype (PMID: 22693042; PMID: 26092869; PMID: 33176815). The variant is present at low frequency in population datasets. Based on the available data, this variant is classified as pathogenic.

Fulgent Genetics
Classification: Pathogenic for Orofaciodigital syndrome type 6; Joubert syndrome 17. Last evaluated: 2024-04-18. Review status: criteria provided, single submitter. Criteria: ACMG Guidelines, 2015. Collection method: clinical testing. Allele origin: germline.

Blueprint Genetics
Classification: Likely pathogenic for C5ORF42 & CPLANE1-related disorders. Last evaluated: 2022-03-21. Review status: criteria provided, single submitter. Criteria: ACMG Guidelines, 2015. Collection method: clinical testing. Allele origin: germline. Affected: yes. Observed: 5 variant alleles.

Baylor Genetics
Classification: Pathogenic for Orofaciodigital syndrome type 6. Last evaluated: 2019-11-18. Review status: criteria provided, single submitter. Criteria: ACMG Guidelines, 2015. Collection method: clinical testing. Allele origin: unknown. Affected: yes.
Comment: This variant was determined to be pathogenic according to ACMG Guidelines, 2015 [PMID:25741868].

UW Hindbrain Malformation Research Program, University of Washington
Classification: Pathogenic for Joubert syndrome 17. Last evaluated: 2015-02-23. Review status: criteria provided, single submitter. Criteria: Bachmann-Gagescu et al. (J Med Genet. 2015). Collection method: research. Allele origin: unknown. Affected: yes.

Juno Genomics, Hangzhou Juno Genomics, Inc
Classification: Pathogenic for Joubert syndrome 17; Orofaciodigital syndrome type 6. Review status: criteria provided, single submitter. Criteria: ACMG Guidelines, 2015. Collection method: clinical testing. Allele origin: germline.
Comment: Absent from controls (or at extremely low frequency if recessive) in Genome Aggregation Database.;Null variant in a gene where loss of function (LOF) is a known mechanism of disease.;For recessive disorders, detected in trans with a pathogenic variant.

Dr.Nikuei Genetic Center
Classification: Pathogenic for Joubert syndrome 17. Review status: no assertion criteria provided. Collection method: clinical testing. Allele origin: germline. Inheritance: Autosomal recessive inheritance. Affected: yes. Not counted in ClinVar's aggregate classification.

Neurology Department of Pediatrics, The Third Affiliated Hospital of Zhengzhou University
Classification: Uncertain significance for Joubert syndrome 17. Review status: no assertion criteria provided. Collection method: clinical testing. Allele origin: inherited. Inheritance: Autosomal dominant inheritance. Affected: yes. Not counted in ClinVar's aggregate classification.

Literature cited by the submitters: PubMed 24178751 (cited by Labcorp Genetics (formerly Invitae), Labcorp); PubMed 26092869 (cited by Labcorp Genetics (formerly Invitae), Labcorp and Dasa); PubMed 22693042 (cited by Labcorp Genetics (formerly Invitae), Labcorp and Dasa); PubMed 33176815 (cited by Labcorp Genetics (formerly Invitae), Labcorp and Dasa).